The following is an entry in ClinVar:

NC_000015.10:g.84817318C>T

Gene: ALPK3 (alpha kinase 3; plus strand). Cytogenetic location: 15q25.3.
Variant type: single nucleotide variant.
Genome position: GRCh38 VCF-style: chr15-84817318-C-T. GRCh37 (hg19) VCF-style: chr15-85360549-C-T.
Identifiers: ClinVar variation 2816437 (VCV002816437.3), dbSNP rs1963370508, ClinGen allele CA393368982.
Genomic context (GRCh38, chr15:84,817,318, plus strand): 5'-CCGCGCTGCCCGGGTCGGGCCAGGCCAGGGGAGGGACAGCAGCAGGTGACGACGGCCCGG[C>T]CACCGGCTATAAATAGGGGCGCGCGTCAGCCGCGGGCGGGAGCGGCGGCGGCGGGCAGGG-3'

ClinVar aggregate classification (germline): Uncertain significance (1 of 4 stars; one submission).

Allele frequency attached by ClinVar (database versions not stated): TOPMed 0.00001.

Submission:

Labcorp Genetics (formerly Invitae), Labcorp
Classification: Uncertain significance. Last evaluated: 2023-02-14. Review status: criteria provided, single submitter. Criteria: Invitae Variant Classification Sherloc (09022015). Collection method: clinical testing. Allele origin: germline.
Comment: This sequence change replaces proline, which is neutral and non-polar, with serine, which is neutral and polar, at codon 158 of the ALPK3 protein (p.Pro158Ser). In summary, the available evidence is currently insufficient to determine the role of this variant in disease. Therefore, it has been classified as a Variant of Uncertain Significance. Algorithms developed to predict the effect of missense changes on protein structure and function are either unavailable or do not agree on the potential impact of this missense change (SIFT: "Deleterious"; PolyPhen-2: "Possibly Damaging"; Align-GVGD: "Class C0"). This variant has not been reported in the literature in individuals affected with ALPK3-related conditions. This variant is not present in population databases (gnomAD no frequency).